The following is an entry in ClinVar:

NM_000334.4(SCN4A):c.3811A>G (p.Met1271Val)

Genes: GH-LCR (growth hormone locus control region; plus strand), SCN4A (sodium voltage-gated channel alpha subunit 4; minus strand). Cytogenetic location: 17q23.3.
Variant type: single nucleotide variant.
Coding change: c.3811A>G on transcript NM_000334.4 (MANE Select); coding-DNA position 3811, A replaced by G.
Protein change: p.Met1271Val; replaces methionine 1271 with valine.
Molecular consequence: missense variant.
Genome position (GRCh38, 1-based): chr17:63,944,774, T>C on the plus strand (A>G on the coding strand, the complement: SCN4A is on the minus strand). VCF-style: chr17-63944774-T-C. GRCh37 (hg19) VCF-style: chr17-62022134-T-C.
Other names: short protein forms M1271V.
Identifiers: ClinVar variation 1361926 (VCV001361926.9), dbSNP rs2144778458, ClinGen allele CA400617437.
Genomic context (GRCh38, chr17:63,944,774, plus strand): 5'-TGAAGAGGTTGAGGGTGAAGAAGGAGCCAAAGATGATGAAGATGACAAAGTAGAGGTACA[T>C]GTAGAGGTTCACCTCGTACTGCGGCTGCTCCTCCTTCTGTGGGAGCCACAGGGTGGGACG-3'
Protein context (NP_000325.4, residues 1261-1281): EQPQYEVNLY[Met1271Val]YLYFVIFIIF

ClinVar aggregate classification (germline): Uncertain significance. Review status: criteria provided, multiple submitters, no conflicts (2 of 4 stars). 2 submissions from 2 submitters: Uncertain significance (2). Last evaluated 2024-03-26.

Conditions:
Hyperkalemic periodic paralysis. Also called: Gamstorp disease; Familial hyperkalemic periodic paralysis. Identifiers: Orphanet 682, MedGen C0238357, MONDO:0008224, OMIM 170500, HP:0007215.

Allele frequency attached by ClinVar (database versions not stated): gnomAD exomes 0.00001.

Submissions (2):

Blueprint Genetics
Classification: Uncertain significance. Last evaluated: 2024-03-26. Review status: criteria provided, single submitter. Criteria: ACMG Guidelines, 2015. Collection method: clinical testing. Allele origin: germline.

Labcorp Genetics (formerly Invitae), Labcorp
Classification: Uncertain significance for Hyperkalemic periodic paralysis. Last evaluated: 2021-04-25. Review status: criteria provided, single submitter. Criteria: Invitae Variant Classification Sherloc (09022015). Collection method: clinical testing. Allele origin: germline.
Comment: This variant has not been reported in the literature in individuals with SCN4A-related conditions. Algorithms developed to predict the effect of missense changes on protein structure and function are either unavailable or do not agree on the potential impact of this missense change (SIFT: "Deleterious"; PolyPhen-2: "Probably Damaging"; Align-GVGD: "Class C15"). In summary, the available evidence is currently insufficient to determine the role of this variant in disease. Therefore, it has been classified as a Variant of Uncertain Significance. This variant is not present in population databases (ExAC no frequency). This sequence change replaces methionine with valine at codon 1271 of the SCN4A protein (p.Met1271Val). The methionine residue is highly conserved and there is a small physicochemical difference between methionine and valine.